The following is an entry in ClinVar:

ClinVar aggregate classification (germline): Uncertain significance. Review status: criteria provided, multiple submitters, no conflicts (2 of 4 stars). 2 submissions from 2 submitters: Uncertain significance (2). Last evaluated 2025-05-01.

Conditions:
Hypertrophic cardiomyopathy 19. Also called: Familial hypertrophic cardiomyopathy 19. Identifiers: MedGen CN077603, MONDO:0013476.

Allele frequency attached by ClinVar (database versions not stated): TOPMed 0.00001.
gnomAD v4.1: 16 of 1,613,940 alleles (0.00099%); highest among the groups gnomAD compares: Admixed American, 0.01%; no homozygotes.

Submissions (2):

Ambry Genetics
Classification: Uncertain significance. Last evaluated: 2025-05-01. Review status: criteria provided, single submitter. Criteria: Ambry Variant Classification Scheme 2023. Collection method: clinical testing. Allele origin: germline.

Labcorp Genetics (formerly Invitae), Labcorp
Classification: Uncertain significance for Hypertrophic cardiomyopathy 19. Last evaluated: 2020-02-11. Review status: criteria provided, single submitter. Criteria: Invitae Variant Classification Sherloc (09022015). Collection method: clinical testing. Allele origin: germline.
Comment: This variant is present in population databases (rs550089146, ExAC 0.03%). This sequence change replaces serine with leucine at codon 214 of the CALR3 protein (p.Ser214Leu). The serine residue is weakly conserved and there is a large physicochemical difference between serine and leucine. This variant has not been reported in the literature in individuals with CALR3-related disease. Algorithms developed to predict the effect of missense changes on protein structure and function (SIFT, PolyPhen-2, Align-GVGD) all suggest that this variant is likely to be tolerated, but these predictions have not been confirmed by published functional studies and their clinical significance is uncertain. In summary, the available evidence is currently insufficient to determine the role of this variant in disease. Therefore, it has been classified as a Variant of Uncertain Significance.

NM_145046.5(CALR3):c.641C>T (p.Ser214Leu)

Gene: CALR3 (calreticulin 3; minus strand). Cytogenetic location: 19p13.11.
Variant type: single nucleotide variant.
Coding change: c.641C>T on transcript NM_145046.5 (MANE Select); coding-DNA position 641, C replaced by T.
Protein change: p.Ser214Leu; replaces serine 214 with leucine.
Molecular consequence: missense variant.
Genome position (GRCh38, 1-based): chr19:16,483,967, G>A on the plus strand (C>T on the coding strand, the complement: CALR3 is on the minus strand). VCF-style: chr19-16483967-G-A. GRCh37 (hg19) VCF-style: chr19-16594778-G-A.
Other names: c.641C>T (NM_145046.3); short protein forms S214L.
Identifiers: ClinVar variation 659859 (VCV000659859.12), dbSNP rs550089146, ClinGen allele CA9278333.
Genomic context (GRCh38, chr19:16,483,967, plus strand): 5'-AGTTGCCCAGGAAAAATTCACACCTGGGCTTTGTTGTCTTTAGTCTGTTCCCAATCCTTC[G>A]ATTCTGCCGGGGACGTTTCCTTCTTGAGTGATGTTAAGTTCCAGTCGTACTCTATGCTGC-3'
Protein context (NP_659483.2, residues 204-224): SLKKETSPAE[Ser214Leu]KDWEQTKDNK